The following is an entry in ClinVar:

ClinVar aggregate classification (germline): Uncertain significance (1 of 4 stars; one submission).

Submission:

Labcorp Genetics (formerly Invitae), Labcorp
Classification: Uncertain significance. Last evaluated: 2024-06-26. Review status: criteria provided, single submitter. Criteria: Invitae Variant Classification Sherloc (09022015). Collection method: clinical testing. Allele origin: germline.
Comment: This sequence change replaces glycine, which is neutral and non-polar, with aspartic acid, which is acidic and polar, at codon 200 of the ASXL1 protein (p.Gly200Asp). This variant is not present in population databases (gnomAD no frequency). This variant has not been reported in the literature in individuals affected with ASXL1-related conditions. An algorithm developed to predict the effect of missense changes on protein structure and function (PolyPhen-2) suggests that this variant is likely to be disruptive. In summary, the available evidence is currently insufficient to determine the role of this variant in disease. Therefore, it has been classified as a Variant of Uncertain Significance.

NM_015338.6(ASXL1):c.599G>A (p.Gly200Asp)

Gene: ASXL1 (ASXL transcriptional regulator 1; plus strand). Cytogenetic location: 20q11.21.
Variant type: single nucleotide variant.
Coding change: c.599G>A on transcript NM_015338.6 (MANE Select); coding-DNA position 599, G replaced by A.
Protein change: p.Gly200Asp; replaces glycine 200 with aspartic acid.
Molecular consequence: missense variant. On other transcripts: intron variant (1).
Genome position (GRCh38, 1-based): chr20:32,429,934, G>A. VCF-style: chr20-32429934-G-A. GRCh37 (hg19) VCF-style: chr20-31017737-G-A.
Other names: c.535+503G>A (NM_001363734.1); short protein forms G200D.
Identifiers: ClinVar variation 3657838 (VCV003657838.2).